The following is an entry in ClinVar:

NM_020822.3(KCNT1):c.3503-67G>A

Gene: KCNT1 (potassium sodium-activated channel subfamily T member 1; plus strand). Cytogenetic location: 9q34.3.
Variant type: single nucleotide variant.
Coding change: c.3503-67G>A on transcript NM_020822.3 (MANE Select); 67 bases into the intron before coding-DNA position 3503, G replaced by A.
Molecular consequence: intron variant.
Genome position (GRCh38, 1-based): chr9:135,791,730, G>A. VCF-style: chr9-135791730-G-A. GRCh37 (hg19) VCF-style: chr9-138683576-G-A.
Other names: c.3431-67G>A (NM_001272003.2).
Identifiers: ClinVar variation 677392 (VCV000677392.2), dbSNP rs139315777, ClinGen allele CA201431091.

ClinVar aggregate classification (germline): Likely benign. Review status: criteria provided, multiple submitters, no conflicts (2 of 4 stars). 2 submissions from 2 submitters: Likely benign (2). Last evaluated 2018-06-14.

Allele frequency attached by ClinVar (database versions not stated): 1000 Genomes Project 30x 0.00531; 1000 Genomes Project 0.00539; TOPMed 0.00733; gnomAD 0.00744 and 0.00756; gnomAD exomes 0.00997.
gnomAD v4.1: 13,188 of 1,357,960 alleles (0.97%); highest among the groups gnomAD compares: South Asian, 1.8%; 89 homozygotes.

Submissions (2):

GeneDx
Classification: Likely benign. Last evaluated: 2018-06-14. Review status: criteria provided, single submitter. Criteria: GeneDx Variant Classification (06012015). Collection method: clinical testing. Allele origin: germline. Affected: yes.
Comment: This variant is considered likely benign or benign based on one or more of the following criteria: it is a conservative change, it occurs at a poorly conserved position in the protein, it is predicted to be benign by multiple in silico algorithms, and/or has population frequency not consistent with disease.

Breakthrough Genomics
Classification: Likely benign. Review status: criteria provided, single submitter. Criteria: ACMG Guidelines, 2015. Collection method: not provided. Allele origin: germline. Inheritance: Autosomal dominant inheritance. Affected: yes.